The following is an entry in ClinVar:

NM_000463.3(UGT1A1):c.418del (p.Leu140fs)

Genes: UGT1A5 (UDP glucuronosyltransferase family 1 member A5; plus strand), UGT1A9 (UDP glucuronosyltransferase family 1 member A9; plus strand), UGT1A7 (UDP glucuronosyltransferase family 1 member A7; plus strand), UGT1A1 (UDP glucuronosyltransferase family 1 member A1; plus strand), UGT1A4 (UDP glucuronosyltransferase family 1 member A4; plus strand) and 5 more. Cytogenetic location: 2q37.1.
Variant type: Deletion.
Coding change: c.418del on transcript NM_000463.3 (MANE Select); coding-DNA position 418, one base deleted (C; older notation c.418delC).
Protein change: p.Leu140fs; shifts the reading frame from leucine 140.
Molecular consequence: frameshift variant. On other transcripts: intron variant (9).
Genome position (GRCh38, 1-based): chr2:233,760,705, C deleted; the last of 3 consecutive C bases (chr2:233,760,703-233,760,705); deleting any one gives the same sequence. VCF-style (leftmost placement, unchanged base first): chr2-233760702-TC-T. GRCh37 (hg19) VCF-style: chr2-234669348-TC-T.
Other names: c.856-6329del (NM_019076.5, NM_019075.4, NM_021027.3 and 1 more transcripts); c.61-6329del (NM_205862.3); c.862-6329del (NM_001072.4); c.868-6329del (NM_019078.2, NM_007120.3, NM_019093.4); short protein forms L140fs.
Identifiers: ClinVar variation 2627409 (VCV002627409.1), dbSNP rs2472956769, ClinGen allele CA2582342832.

ClinVar aggregate classification (germline): Likely pathogenic (1 of 4 stars; one submission).

Conditions:
Crigler-Najjar syndrome, type II. Also called: HYPERBILIRUBINEMIA, CRIGLER-NAJJAR TYPE II; Crigler Najjar syndrome, type 2; Mutation in the UDP-glucuronosyl-transferase gene. Identifiers: Orphanet 205, Orphanet 79235, MedGen C2931132, MONDO:0011725, OMIM 606785.

Submission:

Neuberg Centre For Genomic Medicine, NCGM
Classification: Likely pathogenic for Crigler-Najjar syndrome, type II. Review status: criteria provided, single submitter. Criteria: ACMG Guidelines, 2015. Collection method: clinical testing. Allele origin: germline. Inheritance: Autosomal recessive inheritance. Affected: yes.
Comment: The frameshift deletion p.L140Wfs*10 in UGT1A1 (NM_000463.3) has not been reported previously as a pathogenic variant nor as a benign variant, to our knowledge. The p.L140Wfs*10 variant is novel (not in any individuals) in gnomAD Exomes and is novel (not in any individuals) in 1000 Genomes. This variant is predicted to cause loss of normal protein function through protein truncation.For these reasons, this variant has been classified as Likely Pathogenic